The following continues an entry in ClinVar:

NM_000088.4(COL1A1):c.1300-8C>G

Gene: COL1A1. ClinVar aggregate classification (germline): Benign. Benign (14).

Submissions 23 to 32 of 32:

Dr. Peter K. Rogan Lab, Western University
No classification provided (evidence only). Condition: Ovarian serous cystadenocarcinoma. Review status: no classification provided. Collection method: in vitro. Allele origin: not applicable. Functional consequence: retained intron. Not counted in ClinVar's aggregate classification.

Dr. Peter K. Rogan Lab, Western University
No classification provided (evidence only). Condition: Ovarian serous cystadenocarcinoma. Review status: no classification provided. Collection method: in vitro. Allele origin: not applicable. Functional consequence: retained intron. Not counted in ClinVar's aggregate classification.

Dr. Peter K. Rogan Lab, Western University
No classification provided (evidence only). Condition: Ovarian serous cystadenocarcinoma. Review status: no classification provided. Collection method: in vitro. Allele origin: not applicable. Functional consequence: retained intron. Not counted in ClinVar's aggregate classification.

Dr. Peter K. Rogan Lab, Western University
No classification provided (evidence only). Condition: Ovarian serous cystadenocarcinoma. Review status: no classification provided. Collection method: in vitro. Allele origin: not applicable. Functional consequence: retained intron. Not counted in ClinVar's aggregate classification.

Dr. Peter K. Rogan Lab, Western University
No classification provided (evidence only). Condition: Ovarian serous cystadenocarcinoma. Review status: no classification provided. Collection method: in vitro. Allele origin: not applicable. Functional consequence: retained intron. Not counted in ClinVar's aggregate classification.

Dr. Peter K. Rogan Lab, Western University
No classification provided (evidence only). Condition: Gastric cancer. Review status: no classification provided. Collection method: in vitro. Allele origin: not applicable. Functional consequence: retained intron. Not counted in ClinVar's aggregate classification.

Dr. Peter K. Rogan Lab, Western University
No classification provided (evidence only). Condition: Uterine carcinosarcoma. Review status: no classification provided. Collection method: in vitro. Allele origin: not applicable. Functional consequence: retained intron. Not counted in ClinVar's aggregate classification.

Dr. Peter K. Rogan Lab, Western University
No classification provided (evidence only). Condition: Malignant tumor of esophagus. Review status: no classification provided. Collection method: in vitro. Allele origin: not applicable. Functional consequence: skipped exon. Not counted in ClinVar's aggregate classification.

Genome Diagnostics Laboratory, Amsterdam University Medical Center
Classification: Benign. Review status: no assertion criteria provided. Collection method: clinical testing. Allele origin: germline. Affected: yes. Study: VKGL Data-share Consensus. Not counted in ClinVar's aggregate classification.

Laboratory of Diagnostic Genome Analysis, Leiden University Medical Center (LUMC)
Classification: Likely benign. Review status: no assertion criteria provided. Collection method: clinical testing. Allele origin: germline. Affected: yes. Study: VKGL Data-share Consensus. Not counted in ClinVar's aggregate classification.

Literature cited by the submitters: PubMed 11317364 (cited by Athena Diagnostics).